The following is an entry in ClinVar:

ClinVar aggregate classification (germline): Uncertain significance (1 of 4 stars; one submission).

Conditions:
ZNF292-related disorder. Also called: ZNF292-related condition.

Submission:

PreventionGenetics, part of Exact Sciences
Classification: Uncertain significance for ZNF292-related condition. Last evaluated: 2025-06-10. Review status: criteria provided, single submitter. Criteria: ACMG Guidelines, 2015. Collection method: clinical testing. Allele origin: germline.
Comment: The ZNF292 c.8117T>A variant is predicted to result in the amino acid substitution p.Met2706Lys. To our knowledge, this variant has not been reported in the literature or in a large population database (gnomAD), indicating this variant is rare. At this time, the clinical significance of this variant is uncertain due to the absence of conclusive functional and genetic evidence.

NM_015021.3(ZNF292):c.8117T>A (p.Met2706Lys)

Gene: ZNF292 (zinc finger protein 292; plus strand). Cytogenetic location: 6q14.3.
Variant type: single nucleotide variant.
Coding change: c.8117T>A on transcript NM_015021.3 (MANE Select); coding-DNA position 8117, T replaced by A.
Protein change: p.Met2706Lys; replaces methionine 2706 with lysine.
Molecular consequence: missense variant.
Genome position (GRCh38, 1-based): chr6:87,261,746, T>A. VCF-style: chr6-87261746-T-A. GRCh37 (hg19) VCF-style: chr6-87971464-T-A.
Other names: c.7697T>A, p.Met2566Lys (NM_001351444.2); short protein forms M2566K, M2706K.
Identifiers: ClinVar variation 2628385 (VCV002628385.2), dbSNP rs922121615, ClinGen allele CA364946638.
Genomic context (GRCh38, chr6:87,261,746, plus strand): 5'-AGGAAATGAAACCTACCGTCAGTCTGAAAAAACTTGAAGTACATTCAAATGATCCAGATA[T>A]GTCTGTTATGAAAGATATCAGTATAGGTAAAGCCACAGGCAGAGGTCAGTACTGATAATT-3'
Protein context (NP_055836.1, residues 2696-2716): KLEVHSNDPD[Met2706Lys]SVMKDISIGK